The following is an entry in ClinVar:

ClinVar aggregate classification (germline): Uncertain significance. Review status: criteria provided, multiple submitters, no conflicts (2 of 4 stars). 3 submissions from 3 submitters: Uncertain significance (3). Last evaluated 2025-03-29.

Allele frequency attached by ClinVar (database versions not stated): gnomAD 0.00001; TOPMed 0.00001.
gnomAD v4.1: 15 of 1,614,100 alleles (0.00093%); highest among the groups gnomAD compares: Non-Finnish European, 0.0013%; no homozygotes.

Submissions (3):

Ambry Genetics
Classification: Uncertain significance. Last evaluated: 2025-03-29. Review status: criteria provided, single submitter. Criteria: Ambry Variant Classification Scheme 2023. Collection method: clinical testing. Allele origin: germline.
Comment: The p.P740S variant (also known as c.2218C>T), located in coding exon 8 of the RNF43 gene, results from a C to T substitution at nucleotide position 2218. The proline at codon 740 is replaced by serine, an amino acid with similar properties. This amino acid position is conserved. In addition, this alteration is predicted to be tolerated by in silico analysis. Based on the available evidence, the clinical significance of this variant remains unclear.

GeneDx
Classification: Uncertain significance. Last evaluated: 2025-03-18. Review status: criteria provided, single submitter. Criteria: GeneDx Variant Classification Process June 2021. Collection method: clinical testing. Allele origin: germline. Affected: yes.
Comment: Not observed at significant frequency in large population cohorts (gnomAD); In silico analysis indicates that this missense variant does not alter protein structure/function; Has not been previously published as pathogenic or benign to our knowledge

Labcorp Genetics (formerly Invitae), Labcorp
Classification: Uncertain significance. Last evaluated: 2022-03-29. Review status: criteria provided, single submitter. Criteria: Invitae Variant Classification Sherloc (09022015). Collection method: clinical testing. Allele origin: germline.
Comment: In summary, the available evidence is currently insufficient to determine the role of this variant in disease. Therefore, it has been classified as a Variant of Uncertain Significance. Algorithms developed to predict the effect of missense changes on protein structure and function output the following: SIFT: "Tolerated"; PolyPhen-2: "Benign"; Align-GVGD: "Class C0". The serine amino acid residue is found in multiple mammalian species, which suggests that this missense change does not adversely affect protein function. This variant has not been reported in the literature in individuals affected with RNF43-related conditions. This variant is present in population databases (rs759690943, gnomAD 0.002%). This sequence change replaces proline, which is neutral and non-polar, with serine, which is neutral and polar, at codon 740 of the RNF43 protein (p.Pro740Ser).

NM_017763.6(RNF43):c.2218C>T (p.Pro740Ser)

Gene: RNF43 (ring finger protein 43; minus strand). Cytogenetic location: 17q22.
Variant type: single nucleotide variant.
Coding change: c.2218C>T on transcript NM_017763.6 (MANE Select); coding-DNA position 2218, C replaced by T.
Protein change: p.Pro740Ser; replaces proline 740 with serine.
Molecular consequence: missense variant.
Genome position (GRCh38, 1-based): chr17:58,357,558, G>A on the plus strand (C>T on the coding strand, the complement: RNF43 is on the minus strand). VCF-style: chr17-58357558-G-A. GRCh37 (hg19) VCF-style: chr17-56434919-G-A.
Other names: c.2218C>T, p.Pro740Ser (NM_001305544.3); c.1837C>T, p.Pro613Ser (NM_001305545.2); short protein forms P613S, P740S.
Identifiers: ClinVar variation 1920999 (VCV001920999.7), dbSNP rs759690943, ClinGen allele CA292030403.
Genomic context (GRCh38, chr17:58,357,558, plus strand): 5'-GATAAGGGCATGGCCTGCCCTCTGCGGTGTCAGAACTCCATTCAGAAGGCCCCTCCCCAG[G>A]TGGATGTGGTTCCAGGGGCTGGCGAGGAGTCAGGCACAACCACACTGGCTGTGAATTTGA-3'
Protein context (NP_060233.3, residues 730-750): TPRQPLEPHP[Pro740Ser]GEGPSEWSSD